The following is an entry in ClinVar:

NM_001126108.2(SLC12A3):c.2239C>T (p.Gln747Ter)

Gene: SLC12A3 (solute carrier family 12 member 3; plus strand). Cytogenetic location: 16q13.
Variant type: single nucleotide variant.
Coding change: c.2239C>T on transcript NM_001126108.2 (MANE Select); coding-DNA position 2239, C replaced by T.
Protein change: p.Gln747Ter; replaces glutamine 747 with a stop codon.
Molecular consequence: nonsense.
Genome position (GRCh38, 1-based): chr16:56,887,985, C>T. VCF-style: chr16-56887985-C-T. GRCh37 (hg19) VCF-style: chr16-56921897-C-T.
Other names: c.2239C>T, p.Gln747Ter (NM_000339.3); c.2236C>T, p.Gln746Ter (NM_001126107.2); short protein forms Q746*, Q747*.
Identifiers: ClinVar variation 1071753 (VCV001071753.7), dbSNP rs2055341736, ClinGen allele CA395994789.

ClinVar aggregate classification (germline): Pathogenic (1 of 4 stars; one submission).

Allele frequency attached by ClinVar (database versions not stated): TOPMed below 0.00001.

Submission:

Labcorp Genetics (formerly Invitae), Labcorp
Classification: Pathogenic. Last evaluated: 2021-10-17. Review status: criteria provided, single submitter. Criteria: Invitae Variant Classification Sherloc (09022015). Collection method: clinical testing. Allele origin: germline.
Comment: For these reasons, this variant has been classified as Pathogenic. Algorithms developed to predict the effect of sequence changes on RNA splicing suggest that this variant may create or strengthen a splice site. ClinVar contains an entry for this variant (Variation ID: 1071753). This variant is also known as c.2245C>T, p.Gln749X. This premature translational stop signal has been observed in individual(s) with a SLC12A3-related condition (PMID: 21631963). This variant is not present in population databases (ExAC no frequency). This sequence change creates a premature translational stop signal (p.Gln747*) in the SLC12A3 gene. It is expected to result in an absent or disrupted protein product. Loss-of-function variants in SLC12A3 are known to be pathogenic (PMID: 20848653, 22009145, 25841442).

Literature cited by the submitters: PubMed 21631963; PubMed 20848653; PubMed 22009145; PubMed 25841442.